The following is an entry in ClinVar:

NM_000341.4(SLC3A1):c.1253C>A (p.Thr418Asn)

Gene: SLC3A1 (solute carrier family 3 member 1; plus strand). Cytogenetic location: 2p21.
Variant type: single nucleotide variant.
Coding change: c.1253C>A on transcript NM_000341.4 (MANE Select); coding-DNA position 1253, C replaced by A.
Protein change: p.Thr418Asn; replaces threonine 418 with asparagine.
Molecular consequence: missense variant.
Genome position (GRCh38, 1-based): chr2:44,304,259, C>A. VCF-style: chr2-44304259-C-A. GRCh37 (hg19) VCF-style: chr2-44531398-C-A.
Other names: short protein forms T418N.
Identifiers: ClinVar variation 1966807 (VCV001966807.5), dbSNP rs147289733, ClinGen allele CA346682859.
Genomic context (GRCh38, chr2:44,304,259, plus strand): 5'-GATTGCCATTTATCCAAGAAGCTGATTTTCCCTTCAACAATTACCTCAGCATGCTAGACA[C>A]TGTTTCTGGGAACAGCGTGTATGAGGTTATCACATCCTGGATGGAAAACATGCCAGAAGG-3'
Protein context (NP_000332.2, residues 408-428): PFNNYLSMLD[Thr418Asn]VSGNSVYEVI

ClinVar aggregate classification (germline): Uncertain significance (1 of 4 stars; one submission).

Conditions:
Cystinuria (CSNU). Also called: CYSTINURIA, TYPE I; CYSTINURIA, TYPE II; CYSTINURIA, TYPE III; Cystinuria, non-type I. Identifiers: Orphanet 214, MedGen C0010691, MONDO:0009067, OMIM 220100, HP:0003131.

gnomAD v4.1: 1 of 1,614,148 alleles (0.000062%); no homozygotes.

Submission:

Labcorp Genetics (formerly Invitae), Labcorp
Classification: Uncertain significance for Cystinuria. Last evaluated: 2022-06-25. Review status: criteria provided, single submitter. Criteria: Invitae Variant Classification Sherloc (09022015). Collection method: clinical testing. Allele origin: germline.
Comment: This variant is not present in population databases (gnomAD no frequency). In summary, the available evidence is currently insufficient to determine the role of this variant in disease. Therefore, it has been classified as a Variant of Uncertain Significance. Algorithms developed to predict the effect of missense changes on protein structure and function (SIFT, PolyPhen-2, Align-GVGD) all suggest that this variant is likely to be tolerated. This variant has not been reported in the literature in individuals affected with SLC3A1-related conditions. This sequence change replaces threonine, which is neutral and polar, with asparagine, which is neutral and polar, at codon 418 of the SLC3A1 protein (p.Thr418Asn).